The following is an entry in ClinVar:

ClinVar aggregate classification (germline): Uncertain significance (1 of 4 stars; one submission).

Conditions:
Gastrointestinal stromal tumor. Also called: Gastrointestinal stromal tumor, somatic; Gastrointestinal stroma tumor. Identifiers: Orphanet 44890, MedGen C0238198, MeSH D046152, MONDO:0011719, OMIM 606764, HP:0100723.

Submission:

Labcorp Genetics (formerly Invitae), Labcorp
Classification: Uncertain significance for Gastrointestinal stromal tumor. Last evaluated: 2025-07-02. Review status: criteria provided, single submitter. Criteria: Invitae Variant Classification Sherloc (09022015). Collection method: clinical testing. Allele origin: germline.
Comment: This sequence change replaces serine, which is neutral and polar, with proline, which is neutral and non-polar, at codon 772 of the PDGFRA protein (p.Ser772Pro). This variant is not present in population databases (gnomAD no frequency). This variant has not been reported in the literature in individuals affected with PDGFRA-related conditions. Invitae Evidence Modeling of protein sequence and biophysical properties (such as structural, functional, and spatial information, amino acid conservation, physicochemical variation, residue mobility, and thermodynamic stability) indicates that this missense variant is not expected to disrupt PDGFRA protein function with a negative predictive value of 80%. In summary, the available evidence is currently insufficient to determine the role of this variant in disease. Therefore, it has been classified as a Variant of Uncertain Significance.

NM_006206.6(PDGFRA):c.2314T>C (p.Ser772Pro)

Gene: PDGFRA (platelet derived growth factor receptor alpha; plus strand). Cytogenetic location: 4q12.
Variant type: single nucleotide variant.
Coding change: c.2314T>C on transcript NM_006206.6 (MANE Select); coding-DNA position 2314, T replaced by C.
Protein change: p.Ser772Pro; replaces serine 772 with proline.
Molecular consequence: missense variant.
Genome position (GRCh38, 1-based): chr4:54,280,473, T>C. VCF-style: chr4-54280473-T-C. GRCh37 (hg19) VCF-style: chr4-55146640-T-C.
Other names: c.2314T>C, p.Ser772Pro (NM_001347827.2, NM_001347829.2); c.2389T>C, p.Ser797Pro (NM_001347828.2); c.2353T>C, p.Ser785Pro (NM_001347830.2); short protein forms S797P, S772P, S785P.
Identifiers: ClinVar variation 4740333 (VCV004740333.1).
Genomic context (GRCh38, chr4:54,280,473, plus strand): 5'-TCTAAATATTCCGACATCCAGAGATCACTCTATGATCGTCCAGCCTCATATAAGAAGAAA[T>C]CTATGTTAGGTAAAAGTGTCTATACTCACTCTGGGTGTTGGGACTTTCCAGTGGTTTAAT-3'
Protein context (NP_006197.1, residues 762-782): YDRPASYKKK[Ser772Pro]MLDSEVKNLL